The following is an entry in ClinVar:

NM_003978.5(PSTPIP1):c.316G>A (p.Glu106Lys)

Gene: PSTPIP1 (proline-serine-threonine phosphatase interacting protein 1; plus strand). Cytogenetic location: 15q24.3.
Variant type: single nucleotide variant.
Coding change: c.316G>A on transcript NM_003978.5 (MANE Select); coding-DNA position 316, G replaced by A.
Protein change: p.Glu106Lys; replaces glutamic acid 106 with lysine.
Molecular consequence: missense variant. On other transcripts: non-coding transcript variant (1).
Genome position (GRCh38, 1-based): chr15:77,025,566, G>A. VCF-style: chr15-77025566-G-A. GRCh37 (hg19) VCF-style: chr15-77317907-G-A.
Other names: c.316G>A, p.Glu106Lys (NM_001321135.2); c.289G>A, p.Glu97Lys (NM_001321136.2); c.511G>A, p.Glu171Lys (NM_001321137.1); short protein forms E106K, E171K, E97K.
Identifiers: ClinVar variation 1367344 (VCV001367344.8), dbSNP rs1141039, ClinGen allele CA273752107.

ClinVar aggregate classification (germline): Uncertain significance (1 of 4 stars; one submission).

Conditions:
Pyogenic arthritis-pyoderma gangrenosum-acne syndrome (PAPA). Also called: FAMILIAL RECURRENT ARTHRITIS; PAPA SYNDROME. Identifiers: Orphanet 69126, MedGen C1858361, MONDO:0011462, OMIM 604416.

Allele frequency attached by ClinVar (database versions not stated): gnomAD 0.00001; gnomAD exomes 0.00001; TOPMed 0.00001.
gnomAD v4.1: 9 of 1,552,810 alleles (0.00058%); highest among the groups gnomAD compares: Non-Finnish European, 0.00078%; no homozygotes.

Submission:

Labcorp Genetics (formerly Invitae), Labcorp
Classification: Uncertain significance for Pyogenic arthritis-pyoderma gangrenosum-acne syndrome. Last evaluated: 2025-05-04. Review status: criteria provided, single submitter. Criteria: Invitae Variant Classification Sherloc (09022015). Collection method: clinical testing. Allele origin: germline.
Comment: This sequence change replaces glutamic acid, which is acidic and polar, with lysine, which is basic and polar, at codon 106 of the PSTPIP1 protein (p.Glu106Lys). The frequency data for this variant in the population databases is considered unreliable, as metrics indicate poor data quality at this position in the gnomAD database. This variant has not been reported in the literature in individuals affected with PSTPIP1-related conditions. ClinVar contains an entry for this variant (Variation ID: 1367344). Invitae Evidence Modeling of protein sequence and biophysical properties (such as structural, functional, and spatial information, amino acid conservation, physicochemical variation, residue mobility, and thermodynamic stability) indicates that this missense variant is not expected to disrupt PSTPIP1 protein function with a negative predictive value of 80%. In summary, the available evidence is currently insufficient to determine the role of this variant in disease. Therefore, it has been classified as a Variant of Uncertain Significance.